The following is an entry in ClinVar:

NM_001510.4(GRID2):c.1964T>G (p.Phe655Cys)

Gene: GRID2 (glutamate ionotropic receptor delta type subunit 2; plus strand). Cytogenetic location: 4q22.2.
Variant type: single nucleotide variant.
Coding change: c.1964T>G on transcript NM_001510.4 (MANE Select); coding-DNA position 1964, T replaced by G.
Protein change: p.Phe655Cys; replaces phenylalanine 655 with cysteine.
Molecular consequence: missense variant.
Genome position (GRCh38, 1-based): chr4:93,490,744, T>G. VCF-style: chr4-93490744-T-G. GRCh37 (hg19) VCF-style: chr4-94411895-T-G.
Other names: c.1679T>G, p.Phe560Cys (NM_001286838.1); c.1964T>G, p.Phe655Cys (NM_001440459.1); short protein forms F560C, F655C.
Identifiers: ClinVar variation 4279533 (VCV004279533.1).
Genomic context (GRCh38, chr4:93,490,744, plus strand): 5'-GGGCTTGGTGGCTATTTGCTTTGATTGTTATCTCATCTTACACGGCAAACCTCGCTGCTT[T>G]CCTCACTATTACACGCATTGAAAGTTCCATCCAGTAAGTAAACAATGTTTCCATTAGCCA-3'
Protein context (NP_001501.2, residues 645-665): ISSYTANLAA[Phe655Cys]LTITRIESSI

ClinVar aggregate classification (germline): Uncertain significance (1 of 4 stars; one submission).

Conditions:
Autosomal recessive spinocerebellar ataxia 18. Identifiers: Orphanet 363432, MedGen C4015505, MONDO:0014530, OMIM 616204.

Submission:

Department of Paediatrics at Addenbrookes, Cambridge University Hospitals NHS Foundation Trust (UK)
Classification: Uncertain significance for Autosomal recessive spinocerebellar ataxia 18. Last evaluated: 2025-05-27. Review status: criteria provided, single submitter. Criteria: Durkie Uk Practice Guidelines For Variant Classification V12 2024 (1). Collection method: clinical testing. Allele origin: unknown.
Comment: PM1_Moderate; PM2_Moderate; PP3_Supporting